The following is an entry in ClinVar:

NM_004369.4(COL6A3):c.2844C>T (p.Val948=)

Gene: COL6A3 (collagen type VI alpha 3 chain; minus strand). Cytogenetic location: 2q37.3.
Variant type: single nucleotide variant.
Coding change: c.2844C>T on transcript NM_004369.4 (MANE Select); coding-DNA position 2844, C replaced by T.
Protein change: p.Val948=; no amino-acid change (valine 948 retained).
Molecular consequence: synonymous variant.
Genome position (GRCh38, 1-based): chr2:237,376,998, G>A on the plus strand (C>T on the coding strand, the complement: COL6A3 is on the minus strand). VCF-style: chr2-237376998-G-A. GRCh37 (hg19) VCF-style: chr2-238285641-G-A.
Other names: c.1623C>T, p.Val541= (NM_057164.5); c.2226C>T, p.Val742= (NM_057165.5, NM_057167.4); c.1023C>T, p.Val341= (NM_057166.5).
Identifiers: ClinVar variation 2202243 (VCV002202243.22), dbSNP rs567151556, ClinGen allele CA2189315.

ClinVar aggregate classification (germline): Likely benign. Review status: criteria provided, multiple submitters, no conflicts (2 of 4 stars). 2 submissions from 2 submitters: Likely benign (2). Last evaluated 2024-06-01.

Conditions:
Bethlem myopathy 1A. Also called: MYOPATHY, BENIGN CONGENITAL, WITH CONTRACTURES; Bethlem myopathy 1; Bethlem Muscular Dystrophy. Identifiers: Orphanet 610, MedGen CN029274, MONDO:0024530, OMIM 158810.

Allele frequency attached by ClinVar (database versions not stated): gnomAD 0.00001; ExAC 0.00002.
gnomAD v4.1: 10 of 1,614,038 alleles (0.00062%); highest among the groups gnomAD compares: South Asian, 0.0022%; no homozygotes.

Submissions (2):

CeGaT Center for Human Genetics Tuebingen
Classification: Likely benign. Last evaluated: 2024-06-01. Review status: criteria provided, single submitter. Criteria: CeGaT Center For Human Genetics Tuebingen Variant Classification Criteria Version 2. Collection method: clinical testing. Allele origin: germline. Affected: yes. Observed: 1 variant allele.
Comment: COL6A3: BP4, BP7

Labcorp Genetics (formerly Invitae), Labcorp
Classification: Likely benign for Bethlem myopathy 1A. Last evaluated: 2022-10-26. Review status: criteria provided, single submitter. Criteria: Invitae Variant Classification Sherloc (09022015). Collection method: clinical testing. Allele origin: germline.